The following is an entry in ClinVar:

NM_005359.6(SMAD4):c.*1G>C

Gene: SMAD4 (SMAD family member 4; plus strand). Cytogenetic location: 18q21.2.
Variant type: single nucleotide variant.
Coding change: c.*1G>C on transcript NM_005359.6 (MANE Select); 1 bases downstream of the stop codon, G replaced by C.
Molecular consequence: 3 prime UTR variant.
Genome position (GRCh38, 1-based): chr18:51,078,468, G>C. VCF-style: chr18-51078468-G-C. GRCh37 (hg19) VCF-style: chr18-48604838-G-C.
Identifiers: ClinVar variation 630655 (VCV000630655.4), dbSNP rs1555687622, ClinGen allele CA913188923.

ClinVar aggregate classification (germline): Benign/Likely benign. Review status: criteria provided, multiple submitters, no conflicts (2 of 4 stars). 3 submissions from 3 submitters: Benign (1); Likely benign (2). Last evaluated 2025-03-24.

Conditions:
Hereditary cancer-predisposing syndrome. Also called: Hereditary neoplastic syndrome; Neoplastic Syndromes, Hereditary; Tumor predisposition; Hereditary Cancer Syndrome. Identifiers: Orphanet 140162, MedGen C0027672, MeSH D009386, MONDO:0015356.
Juvenile polyposis/hereditary hemorrhagic telangiectasia syndrome (JPHT). Also called: Juvenile Polyposis Syndrome / Hereditary Hemorrhagic Telangiectasia (JPS/HHT); JP/HHT SYNDROME; JUVENILE POLYPOSIS WITH HEREDITARY HEMORRHAGIC TELANGIECTASIA; POLYPOSIS, GENERALIZED JUVENILE, WITH PULMONARY ARTERIOVENOUS MALFORMATION; TELANGIECTASIA, HEREDITARY HEMORRHAGIC, WITH JUVENILE POLYPOSIS COLI. Identifiers: Orphanet 2929, MedGen C1832942, MONDO:0008278, OMIM 175050.

Allele frequency attached by ClinVar (database versions not stated): gnomAD exomes below 0.00001.
gnomAD v4.1: 2 of 1,611,490 alleles (0.00012%); highest among the groups gnomAD compares: Non-Finnish European, 0.00017%; no homozygotes.

Submissions (3):

Myriad Genetics, Inc.
Classification: Benign for Juvenile polyposis/hereditary hemorrhagic telangiectasia syndrome. Last evaluated: 2025-03-24. Review status: criteria provided, single submitter. Criteria: Myriad Autosomal Dominant, Autosomal Recessive and X-Linked Classification Criteria (2023). Collection method: clinical testing. Allele origin: unknown.
Comment: This variant is considered benign. This variant occurs in the non-coding 3' untranslated region of the gene, and is not expected to impact protein function.

All of Us Research Program, National Institutes of Health
Classification: Likely benign for Juvenile polyposis/hereditary hemorrhagic telangiectasia syndrome. Last evaluated: 2023-08-15. Review status: criteria provided, single submitter. Criteria: ACMG Guidelines, 2015. Collection method: clinical testing. Allele origin: germline. Inheritance: Autosomal dominant inheritance. Observed: 1 variant allele, 1 heterozygote.
Comment: This study involves interpretation of variants in research participants for the purpose of population health screening. Participant phenotype was not available at the time of variant classification. Additional details can be found in publication PMID: 35346344, PMCID: PMC8962531

Color Diagnostics, LLC DBA Color Health
Classification: Likely benign for Hereditary cancer-predisposing syndrome. Last evaluated: 2017-09-22. Review status: criteria provided, single submitter. Criteria: ACMG Guidelines, 2015. Collection method: clinical testing. Allele origin: germline.